The following is an entry in ClinVar:

NM_000388.4(CASR):c.2639C>T (p.Ala880Val)

Gene: CASR (calcium sensing receptor; plus strand). Cytogenetic location: 3q21.1.
Variant type: single nucleotide variant.
Coding change: c.2639C>T on transcript NM_000388.4 (MANE Select); coding-DNA position 2639, C replaced by T.
Protein change: p.Ala880Val; replaces alanine 880 with valine.
Molecular consequence: missense variant.
Genome position (GRCh38, 1-based): chr3:122,284,593, C>T. VCF-style: chr3-122284593-C-T. GRCh37 (hg19) VCF-style: chr3-122003440-C-T.
Other names: c.2669C>T, p.Ala890Val (NM_001178065.2); short protein forms A880V, A890V.
Identifiers: ClinVar variation 3233355 (VCV003233355.1), dbSNP rs2473281117, ClinGen allele CA354160467.

ClinVar aggregate classification (germline): Uncertain significance (1 of 4 stars; one submission).

Conditions:
Familial hypocalciuric hypercalcemia 1. Also called: Hypercalcemia, familial benign type 1. Identifiers: Orphanet 405, Orphanet 93372, MedGen C0342637, MONDO:0007791, OMIM 145980.

Submission:

MVZ Dr. Eberhard & Partner Dortmund
Classification: Uncertain significance for Familial hypocalciuric hypercalcemia 1. Last evaluated: 2024-04-29. Review status: criteria provided, single submitter. Criteria: ACMG Guidelines, 2015. Collection method: clinical testing. Allele origin: unknown. Observed: 1 heterozygote.
Comment: This variant probably produces a missense substitution in the protein sequence from Alanine to Valine. This variant is not reported in literature. Revel score is 0,67 (Deleterious supporting). Both the amino acid site and nucleotide site seems to be highly conserved. Additionally, the variant is absent from population databases such as gnomAD. Four other variants at the same codon are listed in the ClinVar variant database as variants of unclear significance. At the moment, there is not enough information available to determine the significance of this variant. Thus, the variant is classified as VUS.